The following is an entry in ClinVar:

ClinVar aggregate classification (germline): Conflicting classifications of pathogenicity. Review status: criteria provided, conflicting classifications (1 of 4 stars). 3 submissions from 3 submitters: Uncertain significance (2); Likely benign (1). Last evaluated 2026-02-01.

Conditions:
ADNP-related multiple congenital anomalies - intellectual disability - autism spectrum disorder. Also called: ADNP-Related Helsmoortel-Van der Aa Syndrome; Helsmoortel-Van der Aa Syndrome. Identifiers: Orphanet 404448, MedGen C4014538, MONDO:0014379, OMIM 615873. Disease mechanism: loss of function.

Submissions (3):

CeGaT Center for Human Genetics Tuebingen
Classification: Uncertain significance. Last evaluated: 2026-02-01. Review status: criteria provided, single submitter. Criteria: CeGaT Center For Human Genetics Tuebingen Variant Classification Criteria Version 2. Collection method: clinical testing. Allele origin: germline. Affected: yes. Observed: 1 variant allele.
Comment: ADNP: PM4:Supporting

Labcorp Genetics (formerly Invitae), Labcorp
Classification: Likely benign. Last evaluated: 2025-11-07. Review status: criteria provided, single submitter. Criteria: Invitae Variant Classification Sherloc (09022015). Collection method: clinical testing. Allele origin: germline.

New York Genome Center
Classification: Uncertain significance for ADNP-related multiple congenital anomalies - intellectual disability - autism spectrum disorder. Last evaluated: 2021-07-02. Review status: criteria provided, single submitter. Criteria: NYGC Assertion Criteria 2020. Collection method: clinical testing. Allele origin: inherited. Observed: 1 heterozygote. Study: CSER-NYCKidSeq.
Comment: The inherited in-frame deletion variant c.3045_3047del, p.Lys1016del has not been reported in individuals with ADNP-relatedd isorders. This variant is absent in the gnomAD v3.1.1 database, suggesting it is not a common benign variant in the populations represented in this database. In silico algorithms predict a conflicting interpretation of pathogenicity. Given the lack of compelling evidence for its pathogenicity, the inherited c.3045_3047del,p.Lys1016del variant identified in the ADNP gene is reported as a Variant of Uncertain Significance.

NM_001282531.3(ADNP):c.3045_3047del (p.Lys1016del)

Gene: ADNP (activity dependent neuroprotector homeobox; minus strand). Cytogenetic location: 20q13.13.
Variant type: Deletion.
Coding change: c.3045_3047del on transcript NM_001282531.3 (MANE Select); coding-DNA positions 3045 to 3047, 3 bases deleted (AAA; older notation c.3045_3047delAAA).
Protein change: p.Lys1016del; deletes lysine 1016.
Molecular consequence: inframe deletion.
Genome position (GRCh38, 1-based): chr20:50,891,667-50,891,669, TTT deleted on the plus strand (AAA on the coding strand, the reverse complement: ADNP is on the minus strand); deleting any 3 consecutive bases within chr20:50,891,667-50,891,674 gives the same sequence; the c. name uses the placement nearest the transcript's 3' end. VCF-style (leftmost placement, unchanged base first): chr20-50891666-CTTT-C. GRCh37 (hg19) VCF-style: chr20-49508203-CTTT-C.
Other names: c.3045_3047del, p.Lys1016del (NM_001282532.2, NM_001347511.2, NM_015339.5 and 1 more transcripts); short protein forms K1016del.
Identifiers: ClinVar variation 1696760 (VCV001696760.8), dbSNP rs761350619, ClinGen allele CA511020858.
Genomic context (GRCh38, chr20:50,891,666, plus strand): 5'-AACTTTTCCATAGGAACTATTCTTCCATTTCAACTGCTCTCTGTCACCTTGCATGGTAGC[CTTT>C]TTTTTGGCAGCTGGCTTACTGCTCCTTGCATCTTCGCTTTGGGAAGACTCGTCAGACCAG-3'